The following is an entry in ClinVar:

NM_000038.6(APC):c.7864C>T (p.Pro2622Ser)

Gene: APC (APC regulator of Wnt signaling pathway; plus strand). Cytogenetic location: 5q22.2.
Variant type: single nucleotide variant.
Coding change: c.7864C>T on transcript NM_000038.6 (MANE Select); coding-DNA position 7864, C replaced by T.
Protein change: p.Pro2622Ser; replaces proline 2622 with serine.
Molecular consequence: missense variant. On other transcripts: non-coding transcript variant (2).
Genome position (GRCh38, 1-based): chr5:112,843,458, C>T. VCF-style: chr5-112843458-C-T. GRCh37 (hg19) VCF-style: chr5-112179155-C-T.
Other names: c.6712C>T, p.Pro2238Ser (NM_001407471.1, NM_001407472.1); c.7864C>T, p.Pro2622Ser (NM_001127510.3, NM_001354895.2, NM_001407450.1); c.7810C>T, p.Pro2604Ser (NM_001127511.3); c.7918C>T, p.Pro2640Ser (NM_001354896.2, NM_001407447.1, NM_001407448.1 and 1 more transcripts); c.7894C>T, p.Pro2632Ser (NM_001354897.2); c.7789C>T, p.Pro2597Ser (NM_001354898.2); c.7780C>T, p.Pro2594Ser (NM_001354899.2); c.7741C>T, p.Pro2581Ser (NM_001354900.2); and 12 more; short protein forms P2462S, P2493S, P2496S, P2597S, P2615S, P2339S, P2531S, P2604S.
Identifiers: ClinVar variation 2765432 (VCV002765432.4), dbSNP rs1060503330, ClinGen allele CA16038421.

ClinVar aggregate classification (germline): Uncertain significance. Review status: criteria provided, multiple submitters, no conflicts (2 of 4 stars). 2 submissions from 2 submitters: Uncertain significance (2). Last evaluated 2024-11-11.

Conditions:
Hereditary cancer-predisposing syndrome. Also called: Hereditary neoplastic syndrome; Neoplastic Syndromes, Hereditary; Hereditary Cancer Syndrome; Tumor predisposition. Identifiers: Orphanet 140162, MedGen C0027672, MeSH D009386, MONDO:0015356.
Familial adenomatous polyposis 1 (FAP1). Also called: POLYPOSIS, ADENOMATOUS INTESTINAL; FAMILIAL ADENOMATOUS POLYPOSIS 1, ATTENUATED. Identifiers: MedGen C2713442, MONDO:0021056, OMIM 175100. Disease mechanism: loss of function.

Submissions (2):

Ambry Genetics
Classification: Uncertain significance for Hereditary cancer-predisposing syndrome. Last evaluated: 2024-11-11. Review status: criteria provided, single submitter. Criteria: Ambry Variant Classification Scheme 2023. Collection method: clinical testing. Allele origin: germline.
Comment: The p.P2622S variant (also known as c.7864C>T), located in coding exon 15 of the APC gene, results from a C to T substitution at nucleotide position 7864. The proline at codon 2622 is replaced by serine, an amino acid with similar properties. This amino acid position is conserved. In addition, in silico predictors for this gene do not accurately predict pathogenicity. Based on the available evidence, the clinical significance of this variant remains unclear.

Labcorp Genetics (formerly Invitae), Labcorp
Classification: Uncertain significance for Familial adenomatous polyposis 1. Last evaluated: 2024-03-24. Review status: criteria provided, single submitter. Criteria: Invitae Variant Classification Sherloc (09022015). Collection method: clinical testing. Allele origin: germline.
Comment: This sequence change replaces proline, which is neutral and non-polar, with serine, which is neutral and polar, at codon 2622 of the APC protein (p.Pro2622Ser). This variant is not present in population databases (gnomAD no frequency). This variant has not been reported in the literature in individuals affected with APC-related conditions. Advanced modeling of protein sequence and biophysical properties (such as structural, functional, and spatial information, amino acid conservation, physicochemical variation, residue mobility, and thermodynamic stability) performed at Invitae indicates that this missense variant is not expected to disrupt APC protein function with a negative predictive value of 95%. In summary, the available evidence is currently insufficient to determine the role of this variant in disease. Therefore, it has been classified as a Variant of Uncertain Significance.